The following is an entry in ClinVar:

NM_001360016.2(G6PD):c.[1264C>G;202G>A376A>G]

Variant type: Haplotype.
Identifiers: ClinVar variation 1722622 (VCV001722622.2).

ClinVar aggregate classification (germline): Likely pathogenic (1 of 4 stars; one submission).

Conditions:
Anemia, nonspherocytic hemolytic, due to G6PD deficiency (CNSHA1). Also called: Hemolytic anemia due to G6PD deficiency; Favism, susceptibility to; Class I glucose-6-phosphate dehydrogenase deficiency; ANEMIA, CONGENITAL, NONSPHEROCYTIC HEMOLYTIC, 1. Identifiers: Orphanet 466026, MedGen C2720289, MONDO:0010480, OMIM 300908.

Submission:

Dunham Lab, University of Washington
Classification: Likely pathogenic for Anemia, nonspherocytic hemolytic, due to G6PD deficiency. Last evaluated: 2022-08-12. Review status: criteria provided, single submitter. Criteria: Bayesian ACMG Guidelines, 2018. Collection method: curation. Allele origin: unknown. Affected: yes.
Comment: Decreased activity in red blood cells (6%) and no detectable activity when expressed in E. coli (PS3). Alters dimerization domain (PM1). 1264C>G not found in gnomAD (PM2). Post_P 0.988 (odds of pathogenicity 729.3, Prior_P 0.1).

Literature cited by the submitters: PubMed 18677765; PubMed 32387609; PubMed 31294066.